The following is an entry in ClinVar:

ClinVar aggregate classification (germline): Conflicting classifications of pathogenicity. Review status: criteria provided, conflicting classifications (1 of 4 stars). 2 submissions from 2 submitters: Likely pathogenic (1); Uncertain significance (1). Last evaluated 2024-10-11.

Conditions:
Retinoblastoma (RB1). Also called: RETINOBLASTOMA, SOMATIC. Identifiers: Orphanet 790, MedGen C0035335, MeSH D012175, MONDO:0008380, OMIM 180200, HP:0009919. Disease mechanism: loss of function. Inheritance: Both sporadic and heritable forms are tested..
Hereditary cancer-predisposing syndrome. Also called: Neoplastic Syndromes, Hereditary; Tumor predisposition; Hereditary neoplastic syndrome; Hereditary Cancer Syndrome. Identifiers: Orphanet 140162, MedGen C0027672, MeSH D009386, MONDO:0015356.

Submissions (2):

Ambry Genetics
Classification: Likely pathogenic for Hereditary cancer-predisposing syndrome. Last evaluated: 2024-10-11. Review status: criteria provided, single submitter. Criteria: Ambry Variant Classification Scheme 2023. Collection method: clinical testing. Allele origin: germline.
Comment: The c.719-3C>G intronic variant results from a C to G substitution 3 nucleotides upstream from coding exon 8 in the RB1 gene. This variant has been observed in individuals with a personal and/or family history that is consistent with RB1-associated disease (Ambry internal data; Dommering CJ et al. J Med Genet, 2014 Jun;51:366-74). This nucleotide position is highly conserved in available vertebrate species. In silico splice site analysis predicts that this alteration will weaken the native splice acceptor site and will result in the creation or strengthening of a novel splice acceptor site; however, direct evidence is insufficient at this time (Ambry internal data). Based on the majority of available evidence to date, this variant is likely to be pathogenic.

Genetic Diagnostic Laboratory, University of Pennsylvania School of Medicine
Classification: Uncertain significance for Retinoblastoma. Last evaluated: 2024-05-20. Review status: criteria provided, single submitter. Criteria: ACMG Guidelines, 2015. Collection method: clinical testing. Allele origin: germline. Affected: yes. Observed: 1 variant allele.
Comment: Case and Pedigree Information: BILATERAL CASES:1, UNILATERAL CASES:0, TOTAL CASES:1, PEDIGREES:1. ACMG Codes Applied:PM2

Literature cited by the submitters: PubMed 24688104 (cited by Ambry Genetics).

NM_000321.3(RB1):c.719-3C>G

Gene: RB1 (RB transcriptional corepressor 1; plus strand). Cytogenetic location: 13q14.2.
Variant type: single nucleotide variant.
Coding change: c.719-3C>G on transcript NM_000321.3 (MANE Select); 3 bases into the intron before coding-DNA position 719, C replaced by G.
Molecular consequence: intron variant.
Genome position (GRCh38, 1-based): chr13:48,362,812, C>G. VCF-style: chr13-48362812-C-G. GRCh37 (hg19) VCF-style: chr13-48936948-C-G.
Other names: c.719-3C>G (NM_001407165.1, NM_001407166.1, NM_000321.2).
Identifiers: ClinVar variation 3237148 (VCV003237148.2), dbSNP rs2138112047.